The following is an entry in ClinVar:

NM_000744.7(CHRNA4):c.388G>C (p.Asp130His)

Gene: CHRNA4 (cholinergic receptor nicotinic alpha 4 subunit; minus strand). Cytogenetic location: 20q13.33.
Variant type: single nucleotide variant.
Coding change: c.388G>C on transcript NM_000744.7 (MANE Select); coding-DNA position 388, G replaced by C.
Protein change: p.Asp130His; replaces aspartic acid 130 with histidine.
Molecular consequence: missense variant. On other transcripts: 5 prime UTR variant (1), non-coding transcript variant (1).
Genome position (GRCh38, 1-based): chr20:63,351,023, C>G on the plus strand (G>C on the coding strand, the complement: CHRNA4 is on the minus strand). VCF-style: chr20-63351023-C-G. GRCh37 (hg19) VCF-style: chr20-61982375-C-G.
Other names: c.-141G>C (NM_001256573.2); short protein forms D130H.
Identifiers: ClinVar variation 963524 (VCV000963524.9), dbSNP rs2068589553, ClinGen allele CA409638928.

ClinVar aggregate classification (germline): Uncertain significance (1 of 4 stars; one submission).

Conditions:
Familial sleep-related hypermotor epilepsy. Also called: Autosomal Dominant Sleep-Related Hypermotor (Hyperkinetic) Epilepsy. Identifiers: Orphanet 98784, MedGen C3696898, MONDO:0000030.

Submission:

Labcorp Genetics (formerly Invitae), Labcorp
Classification: Uncertain significance. Last evaluated: 2023-09-22. Review status: criteria provided, single submitter. Criteria: Invitae Variant Classification Sherloc (09022015). Collection method: clinical testing. Allele origin: germline.
Comment: This variant has not been reported in the literature in individuals affected with CHRNA4-related conditions. This sequence change replaces aspartic acid, which is acidic and polar, with histidine, which is basic and polar, at codon 130 of the CHRNA4 protein (p.Asp130His). This variant is not present in population databases (gnomAD no frequency). ClinVar contains an entry for this variant (Variation ID: 963524). Advanced modeling of protein sequence and biophysical properties (such as structural, functional, and spatial information, amino acid conservation, physicochemical variation, residue mobility, and thermodynamic stability) performed at Invitae indicates that this missense variant is not expected to disrupt CHRNA4 protein function. In summary, the available evidence is currently insufficient to determine the role of this variant in disease. Therefore, it has been classified as a Variant of Uncertain Significance.